The following is an entry in ClinVar:

NM_000548.5(TSC2):c.2077C>T (p.Leu693=)

Gene: TSC2 (TSC complex subunit 2; plus strand). Cytogenetic location: 16p13.3.
Variant type: single nucleotide variant.
Coding change: c.2077C>T on transcript NM_000548.5 (MANE Select); coding-DNA position 2077, C replaced by T.
Protein change: p.Leu693=; no amino-acid change (leucine 693 retained).
Molecular consequence: synonymous variant.
Genome position (GRCh38, 1-based): chr16:2,071,914, C>T. VCF-style: chr16-2071914-C-T. GRCh37 (hg19) VCF-style: chr16-2121915-C-T.
Other names: c.2077C>T, p.Leu693= (NM_001077183.3, NM_001114382.3, NM_001363528.2 and 3 more transcripts); c.2110C>T, p.Leu704= (NM_001318832.2); c.1966C>T, p.Leu656= (NM_001318827.2); c.1930C>T, p.Leu644= (NM_001318829.2); c.1477C>T, p.Leu493= (NM_001318831.2).
Identifiers: ClinVar variation 467921 (VCV000467921.21), dbSNP rs1167258871, ClinGen allele CA493042635.

ClinVar aggregate classification (germline): Conflicting classifications of pathogenicity. Review status: criteria provided, conflicting classifications (1 of 4 stars). 6 submissions from 6 submitters: Uncertain significance (1); Benign (1); Likely benign (4). Last evaluated 2025-08-07.

Conditions:
Hereditary cancer-predisposing syndrome. Also called: Hereditary neoplastic syndrome; Neoplastic Syndromes, Hereditary; Tumor predisposition; Hereditary Cancer Syndrome. Identifiers: Orphanet 140162, MedGen C0027672, MeSH D009386, MONDO:0015356.
Tuberous sclerosis syndrome (TSC). Also called: Tuberous Sclerosis Complex; Tuberous sclerosis. Identifiers: Orphanet 805, MedGen C0041341, MONDO:0001734.
Tuberous sclerosis 2 (TSC2). Identifiers: Orphanet 805, MedGen C1860707, MONDO:0013199, OMIM 613254.

Allele frequency attached by ClinVar (database versions not stated): gnomAD 0.00001.
gnomAD v4.1: 20 of 1,591,604 alleles (0.0013%); highest among the groups gnomAD compares: Non-Finnish European, 0.0016%; no homozygotes.

Submissions (6):

Labcorp Genetics (formerly Invitae), Labcorp
Classification: Likely benign for Tuberous sclerosis 2. Last evaluated: 2025-08-07. Review status: criteria provided, single submitter. Criteria: Invitae Variant Classification Sherloc (09022015). Collection method: clinical testing. Allele origin: germline.

Myriad Genetics, Inc.
Classification: Benign for Tuberous sclerosis 2. Last evaluated: 2025-05-16. Review status: criteria provided, single submitter. Criteria: Myriad Autosomal Dominant, Autosomal Recessive and X-Linked Classification Criteria (2023). Collection method: clinical testing. Allele origin: unknown.
Comment: This variant is considered benign. This variant is a silent/synonymous amino acid change and it is not expected to impact splicing.

All of Us Research Program, National Institutes of Health
Classification: Likely benign for Tuberous sclerosis syndrome. Last evaluated: 2024-08-06. Review status: criteria provided, single submitter. Criteria: ACMG Guidelines, 2015. Collection method: clinical testing. Allele origin: germline. Inheritance: Autosomal dominant inheritance. Observed: 1 variant allele, 1 heterozygote.
Comment: This study involves interpretation of variants in research participants for the purpose of population health screening. Participant phenotype was not available at the time of variant classification. Additional details can be found in publication PMID: 35346344, PMCID: PMC8962531

Ambry Genetics
Classification: Likely benign for Hereditary cancer-predisposing syndrome. Last evaluated: 2022-05-01. Review status: criteria provided, single submitter. Criteria: Ambry Variant Classification Scheme 2023. Collection method: clinical testing. Allele origin: germline.

Genome-Nilou Lab
Classification: Likely benign for Tuberous sclerosis 2. Last evaluated: 2021-11-07. Review status: criteria provided, single submitter. Criteria: ACMG Guidelines, 2015. Collection method: clinical testing. Allele origin: germline. Affected: no.

Illumina Laboratory Services, Illumina
Classification: Uncertain significance for Tuberous sclerosis syndrome. Last evaluated: 2018-01-13. Review status: criteria provided, single submitter. Criteria: ICSL Variant Classification Criteria 13 December 2019. Collection method: clinical testing. Allele origin: germline.